The following is an entry in ClinVar:

ClinVar aggregate classification (germline): Uncertain significance. Review status: criteria provided, multiple submitters, no conflicts (2 of 4 stars). 2 submissions from 2 submitters: Uncertain significance (2). Last evaluated 2025-04-02.

Conditions:
Inborn genetic diseases. Identifiers: MedGen C0950123, MeSH D030342.

Submissions (2):

Ambry Genetics
Classification: Uncertain significance for Inborn genetic diseases. Last evaluated: 2025-04-02. Review status: criteria provided, single submitter. Criteria: Ambry Variant Classification Scheme 2023. Collection method: clinical testing. Allele origin: germline.
Comment: The c.328C>A (p.R110S) alteration is located in exon 2 (coding exon 2) of the IHH gene. This alteration results from a C to A substitution at nucleotide position 328, causing the arginine (R) at amino acid position 110 to be replaced by a serine (S). Based on data from gnomAD, the A allele has an overall frequency of 0.001% (4/278542) total alleles studied. The highest observed frequency was 0.01% (2/19938) of East Asian alleles. This amino acid position is well conserved in available vertebrate species. This missense alteration is located in a region that has a low rate of benign missense variation (Lek, 2016; Firth, 2009). This alteration is predicted to be deleterious by in silico analysis. Based on insufficient or conflicting evidence, the clinical significance of this alteration remains unclear.

Labcorp Genetics (formerly Invitae), Labcorp
Classification: Uncertain significance. Last evaluated: 2024-10-05. Review status: criteria provided, single submitter. Criteria: Invitae Variant Classification Sherloc (09022015). Collection method: clinical testing. Allele origin: germline.
Comment: This sequence change replaces arginine, which is basic and polar, with serine, which is neutral and polar, at codon 110 of the IHH protein (p.Arg110Ser). This variant is present in population databases (rs748917622, gnomAD 0.01%). This variant has not been reported in the literature in individuals affected with IHH-related conditions. Invitae Evidence Modeling of protein sequence and biophysical properties (such as structural, functional, and spatial information, amino acid conservation, physicochemical variation, residue mobility, and thermodynamic stability) indicates that this missense variant is expected to disrupt IHH protein function with a positive predictive value of 80%. In summary, the available evidence is currently insufficient to determine the role of this variant in disease. Therefore, it has been classified as a Variant of Uncertain Significance.

NM_002181.4(IHH):c.328C>A (p.Arg110Ser)

Gene: IHH (Indian hedgehog signaling molecule; minus strand). Cytogenetic location: 2q35.
Variant type: single nucleotide variant.
Coding change: c.328C>A on transcript NM_002181.4 (MANE Select); coding-DNA position 328, C replaced by A.
Protein change: p.Arg110Ser; replaces arginine 110 with serine.
Molecular consequence: missense variant.
Genome position (GRCh38, 1-based): chr2:219,057,682, G>T on the plus strand (C>A on the coding strand, the complement: IHH is on the minus strand). VCF-style: chr2-219057682-G-T. GRCh37 (hg19) VCF-style: chr2-219922404-G-T.
Other names: c.328C>A (NM_002181.3); short protein forms R110S.
Identifiers: ClinVar variation 3610089 (VCV003610089.3).
Genomic context (GRCh38, chr2:219,057,682, plus strand): 5'-TCACCCGCAGCTTCACACCGGGCCACTGGTTCATCACCGAGATAGCCAGCGAGTTCAGGC[G>T]GTCCTTGCAGCGCTGGGAGAGGAATGTGCGCGAAATCAACCAGAGCGAAATCAGCCGGAG-3'
Protein context (NP_002172.2, residues 100-120): DRLMTQRCKD[Arg110Ser]LNSLAISVMN